The following is an entry in ClinVar:

NM_001482.3(GATM):c.998C>T (p.Ala333Val)

Gene: GATM (glycine amidinotransferase; minus strand). Cytogenetic location: 15q21.1.
Variant type: single nucleotide variant.
Coding change: c.998C>T on transcript NM_001482.3 (MANE Select); coding-DNA position 998, C replaced by T.
Protein change: p.Ala333Val; replaces alanine 333 with valine.
Molecular consequence: missense variant.
Genome position (GRCh38, 1-based): chr15:45,364,841, G>A on the plus strand (C>T on the coding strand, the complement: GATM is on the minus strand). VCF-style: chr15-45364841-G-A. GRCh37 (hg19) VCF-style: chr15-45657039-G-A.
Other names: c.611C>T, p.Ala204Val (NM_001321015.2); short protein forms A333V, A204V.
Identifiers: ClinVar variation 863647 (VCV000863647.7), dbSNP rs1156646457, ClinGen allele CA392256604.

ClinVar aggregate classification (germline): Uncertain significance (1 of 4 stars; one submission).

Conditions:
Arginine:glycine amidinotransferase deficiency (CCDS3). Also called: Creatine deficiency syndrome due to AGAT deficiency; GATM deficiency; AGAT deficiency; Cerebral creatine deficiency syndrome 3; L-Arginine:Glycine Amidinotransferase (AGAT) Deficiency; L-Arginine:Glycine Amidinotransferase Deficiency. Identifiers: Orphanet 35704, MedGen C2675179, MONDO:0012996, OMIM 612718.

Allele frequency attached by ClinVar (database versions not stated): gnomAD exomes below 0.00001; TOPMed 0.00001.
gnomAD v4.1: 2 of 1,613,854 alleles (0.00012%); highest among the groups gnomAD compares: Non-Finnish European, 0.00017%; no homozygotes.

Submission:

Labcorp Genetics (formerly Invitae), Labcorp
Classification: Uncertain significance for Arginine:glycine amidinotransferase deficiency. Last evaluated: 2025-12-20. Review status: criteria provided, single submitter. Criteria: Invitae Variant Classification Sherloc (09022015). Collection method: clinical testing. Allele origin: germline.
Comment: This sequence change replaces alanine, which is neutral and non-polar, with valine, which is neutral and non-polar, at codon 333 of the GATM protein (p.Ala333Val). This variant is present in population databases (no rsID available, gnomAD 0.007%). This variant has not been reported in the literature in individuals affected with GATM-related conditions. ClinVar contains an entry for this variant (Variation ID: 863647). Invitae Evidence Modeling of protein sequence and biophysical properties (such as structural, functional, and spatial information, amino acid conservation, physicochemical variation, residue mobility, and thermodynamic stability) indicates that this missense variant is expected to disrupt GATM protein function with a positive predictive value of 95%. In summary, the available evidence is currently insufficient to determine the role of this variant in disease. Therefore, it has been classified as a Variant of Uncertain Significance.